The following is an entry in ClinVar:

NM_182641.4(BPTF):c.5813G>A (p.Ser1938Asn)

Gene: BPTF (bromodomain PHD finger transcription factor; plus strand). Cytogenetic location: 17q24.2.
Variant type: single nucleotide variant.
Coding change: c.5813G>A on transcript NM_182641.4 (MANE Select); coding-DNA position 5813, G replaced by A.
Protein change: p.Ser1938Asn; replaces serine 1938 with asparagine.
Molecular consequence: missense variant.
Genome position (GRCh38, 1-based): chr17:67,928,416, G>A. VCF-style: chr17-67928416-G-A. GRCh37 (hg19) VCF-style: chr17-65924532-G-A.
Other names: c.6191G>A, p.Ser2064Asn (NM_004459.7); c.5813G>A (NM_182641.3); short protein forms S1938N, S2064N.
Identifiers: ClinVar variation 2184692 (VCV002184692.5), dbSNP rs1399521599, ClinGen allele CA400716921.

ClinVar aggregate classification (germline): Uncertain significance. Review status: criteria provided, multiple submitters, no conflicts (2 of 4 stars). 2 submissions from 2 submitters: Uncertain significance (2). Last evaluated 2024-05-07.

Conditions:
Inborn genetic diseases. Identifiers: MedGen C0950123, MeSH D030342.

Allele frequency attached by ClinVar (database versions not stated): gnomAD exomes below 0.00001; gnomAD 0.00001; TOPMed 0.00001.
gnomAD v4.1: 2 of 1,613,986 alleles (0.00012%); highest among the groups gnomAD compares: Admixed American, 0.0017%; no homozygotes.

Submissions (2):

Labcorp Genetics (formerly Invitae), Labcorp
Classification: Uncertain significance. Last evaluated: 2024-05-07. Review status: criteria provided, single submitter. Criteria: Invitae Variant Classification Sherloc (09022015). Collection method: clinical testing. Allele origin: germline.
Comment: This sequence change replaces serine, which is neutral and polar, with asparagine, which is neutral and polar, at codon 2064 of the BPTF protein (p.Ser2064Asn). This variant is present in population databases (no rsID available, gnomAD 0.1%). This variant has not been reported in the literature in individuals affected with BPTF-related conditions. ClinVar contains an entry for this variant (Variation ID: 2184692). Algorithms developed to predict the effect of missense changes on protein structure and function output the following: SIFT: "Not Available"; PolyPhen-2: "Benign"; Align-GVGD: "Not Available". The asparagine amino acid residue is found in multiple mammalian species, which suggests that this missense change does not adversely affect protein function. In summary, the available evidence is currently insufficient to determine the role of this variant in disease. Therefore, it has been classified as a Variant of Uncertain Significance.

Ambry Genetics
Classification: Uncertain significance for Inborn genetic diseases. Last evaluated: 2021-09-17. Review status: criteria provided, single submitter. Criteria: Ambry Variant Classification Scheme 2023. Collection method: clinical testing. Allele origin: germline.